The following is an entry in ClinVar:

ClinVar aggregate classification (germline): Uncertain significance (1 of 4 stars; one submission).

Conditions:
Early Myoclonic Encephalopathy. Identifiers: MedGen C0270855.

Allele frequency attached by ClinVar (database versions not stated): gnomAD 0.00001; TOPMed below 0.00001.
gnomAD v4.1: 2 of 1,613,964 alleles (0.00012%); highest among the groups gnomAD compares: African/African-American, 0.0027%; 1 homozygote.

Submission:

Labcorp Genetics (formerly Invitae), Labcorp
Classification: Uncertain significance for Early Myoclonic Encephalopathy. Last evaluated: 2022-03-23. Review status: criteria provided, single submitter. Criteria: Invitae Variant Classification Sherloc (09022015). Collection method: clinical testing. Allele origin: germline.
Comment: In summary, the available evidence is currently insufficient to determine the role of this variant in disease. Therefore, it has been classified as a Variant of Uncertain Significance. Algorithms developed to predict the effect of sequence changes on RNA splicing suggest that this variant may create or strengthen a splice site. Algorithms developed to predict the effect of missense changes on protein structure and function are either unavailable or do not agree on the potential impact of this missense change (SIFT: "Deleterious"; PolyPhen-2: "Benign"; Align-GVGD: "Class C0"). ClinVar contains an entry for this variant (Variation ID: 943531). This variant has not been reported in the literature in individuals affected with JMJD1C-related conditions. This variant is present in population databases (no rsID available, gnomAD 0.02%). This sequence change replaces histidine, which is basic and polar, with glutamine, which is neutral and polar, at codon 993 of the JMJD1C protein (p.His993Gln).

NM_032776.3(JMJD1C):c.2979T>G (p.His993Gln)

Gene: JMJD1C (jumonji domain containing 1C; minus strand). Cytogenetic location: 10q21.3.
Variant type: single nucleotide variant.
Coding change: c.2979T>G on transcript NM_032776.3 (MANE Select); coding-DNA position 2979, T replaced by G.
Protein change: p.His993Gln; replaces histidine 993 with glutamine.
Molecular consequence: missense variant. On other transcripts: non-coding transcript variant (1).
Genome position (GRCh38, 1-based): chr10:63,208,690, A>C on the plus strand (T>G on the coding strand, the complement: JMJD1C is on the minus strand). VCF-style: chr10-63208690-A-C. GRCh37 (hg19) VCF-style: chr10-64968450-A-C.
Other names: c.2433T>G, p.His811Gln (NM_001282948.2, NM_001318154.2); c.2115T>G, p.His705Gln (NM_001318153.2); c.2865T>G, p.His955Gln (NM_001322252.2); c.2322T>G, p.His774Gln (NM_001322254.2, NM_001322258.2); short protein forms H811Q, H705Q, H993Q, H774Q, H955Q.
Identifiers: ClinVar variation 943531 (VCV000943531.9), dbSNP rs1372562048, ClinGen allele CA377043114.